The following is an entry in ClinVar:

ClinVar aggregate classification (germline): Likely benign. Review status: criteria provided, multiple submitters, no conflicts (2 of 4 stars). 3 submissions from 3 submitters: Likely benign (2). 1 of the submissions does not count toward it. Last evaluated 2024-12-02.

Conditions:
McCune-Albright syndrome (MAS). Also called: ALBRIGHT SYNDROME; McCune-Albright syndrome, somatic, mosaic; Albright's Syndrome; Fibrous Dysplasia / McCune-Albright Syndrome; Albright's disease. Identifiers: Orphanet 562, MedGen C0242292, MONDO:0018919, OMIM 174800.
Progressive osseous heteroplasia (POH). Also called: ECTOPIC OSSIFICATION, FAMILIAL; Progressive Osseus Heteroplasia (POH); Osseus Heteroplasia, Progressive; Osteoma cutis. Identifiers: Orphanet 2762, MedGen C0334041, MONDO:0008153, OMIM 166350, HP:0025027.
Pseudohypoparathyroidism type 1C (PHP1C). Also called: PSEUDOHYPOPARATHYROIDISM, TYPE IC; PHP IC; Pseudohypoparathyroidism Ic (PHP-Ic). Identifiers: Orphanet 79444, MedGen C2932716, MONDO:0012911, OMIM 612462.
Pituitary adenoma 3, multiple types. Also called: PITUITARY ADENOMA 3, ACTH-SECRETING, SOMATIC; PITUITARY ADENOMA 3, GROWTH HORMONE-SECRETING, SOMATIC. Identifiers: MedGen C4540135, MONDO:0054665, OMIM 617686.
Pseudohypoparathyroidism type 1B (PHP1B). Also called: PHP IB; Pseudohypoparathyroidism Ib (PHP-Ib); Pseudohypoparathyroidism Type IB. Identifiers: Orphanet 94089, MedGen C1864100, MONDO:0011301, OMIM 603233.
Pseudopseudohypoparathyroidism (PPHP). Also called: ALBRIGHT HEREDITARY OSTEODYSTROPHY WITHOUT MULTIPLE HORMONE RESISTANCE; Pseudopseudohypoparathyroidism (PPHP). Identifiers: Orphanet 79445, MedGen C0033835, MONDO:0012912, OMIM 612463.
ACTH-independent macronodular adrenal hyperplasia 1 (AIMAH1). Also called: ACTH-INDEPENDENT MACRONODULAR ADRENOCORTICAL HYPERPLASIA; ACTH-independent macronodular adrenal hyperplasia, somatic; CUSHING SYNDROME, ADRENAL, DUE TO AIMAH; ADRENOCORTICOTROPIC HORMONE-INDEPENDENT MACRONODULAR ADRENAL HYPERPLASIA; CORTICOTROPIN-INDEPENDENT MACRONODULAR ADRENAL HYPERPLASIA. Identifiers: MedGen C1857451, MONDO:0020735, OMIM 219080.
Pseudohypoparathyroidism type I A (PHP1A). Also called: ALBRIGHT HEREDITARY OSTEODYSTROPHY WITH MULTIPLE HORMONE RESISTANCE; PHP IA; Pseudohypoparathyroidism type 1A; Pseudohypoparathyroidism Ia (PHP-Ia); Pseudohypoparathyroidism Type IA. Identifiers: Orphanet 79443, MedGen C3494506, MONDO:0007078, OMIM 103580.
GNAS-related disorder. Identifiers: MedGen CN380105.

Allele frequency attached by ClinVar (database versions not stated): ExAC 0.00002; gnomAD 0.00003 and 0.00004; gnomAD exomes 0.00004 and 0.00007; TOPMed 0.00004; ESP Exome Variant Server 0.00008.
gnomAD v4.1: 103 of 1,614,016 alleles (0.0064%); highest among the groups gnomAD compares: South Asian, 0.0099%; no homozygotes.

Submissions (3):

Labcorp Genetics (formerly Invitae), Labcorp
Classification: Likely benign. Last evaluated: 2024-12-02. Review status: criteria provided, single submitter. Criteria: Invitae Variant Classification Sherloc (09022015). Collection method: clinical testing. Allele origin: germline.

Fulgent Genetics
Classification: Likely benign for Pseudohypoparathyroidism type I A; Progressive osseous heteroplasia; McCune-Albright syndrome; ACTH-independent macronodular adrenal hyperplasia 1; Pseudohypoparathyroidism type 1B; Pseudohypoparathyroidism type 1C; Pseudopseudohypoparathyroidism; Pituitary adenoma 3, multiple types. Last evaluated: 2021-09-28. Review status: criteria provided, single submitter. Criteria: ACMG Guidelines, 2015. Collection method: clinical testing. Allele origin: unknown.

PreventionGenetics, part of Exact Sciences
Classification: Likely benign for GNAS-related condition. Last evaluated: 2024-04-17. Review status: no assertion criteria provided. Collection method: clinical testing. Allele origin: germline. Not counted in ClinVar's aggregate classification.
Comment: This variant is classified as likely benign based on ACMG/AMP sequence variant interpretation guidelines (Richards et al. 2015 PMID: 25741868, with internal and published modifications).

NM_000516.7(GNAS):c.684C>T (p.Arg228=)

Gene: GNAS (GNAS complex locus; plus strand). Cytogenetic location: 20q13.32.
Variant type: single nucleotide variant.
Coding change: c.684C>T on transcript NM_000516.7 (MANE Select); coding-DNA position 684, C replaced by T.
Protein change: p.Arg228=; no amino-acid change (arginine 228 retained).
Molecular consequence: synonymous variant. On other transcripts: 3 prime UTR variant (2).
Genome position (GRCh38, 1-based): chr20:58,909,545, C>T. VCF-style: chr20-58909545-C-T. GRCh37 (hg19) VCF-style: chr20-57484600-C-T.
Other names: c.687C>T, p.Arg229= (NM_001077488.5); c.639C>T, p.Arg213= (NM_001077489.4); c.*545C>T (NM_001077490.3); c.507C>T, p.Arg169= (NM_001309840.2, NM_001309861.2); c.*590C>T (NM_016592.5); c.2613C>T, p.Arg871= (NM_080425.4); c.642C>T, p.Arg214= (NM_080426.4).
Identifiers: ClinVar variation 744959 (VCV000744959.12), dbSNP rs147984566, ClinGen allele CA9927196.